The following is an entry in ClinVar:

NM_175914.5(HNF4A):c.426G>C (p.Gln142His)

Gene: HNF4A (hepatocyte nuclear factor 4 alpha; plus strand). Cytogenetic location: 20q13.12.
Variant type: single nucleotide variant.
Coding change: c.426G>C on transcript NM_175914.5 (MANE Select); coding-DNA position 426, G replaced by C.
Protein change: p.Gln142His; replaces glutamine 142 with histidine.
Molecular consequence: missense variant.
Genome position (GRCh38, 1-based): chr20:44,413,800, G>C. VCF-style: chr20-44413800-G-C. GRCh37 (hg19) VCF-style: chr20-43042440-G-C.
Other names: c.492G>C, p.Gln164His (NM_000457.6, NM_178849.3, NM_178850.3); c.426G>C, p.Gln142His (NM_001030003.3, NM_001030004.3); c.471G>C, p.Gln157His (NM_001258355.2); c.417G>C, p.Gln139His (NM_001287182.2, NM_001287183.2, NM_001287184.2); short protein forms Q164H, Q139H, Q157H, Q142H.
Identifiers: ClinVar variation 2775416 (VCV002775416.2), dbSNP rs2515675777, ClinGen allele CA409105833.

ClinVar aggregate classification (germline): Uncertain significance (1 of 4 stars; one submission).

Conditions:
Maturity-onset diabetes of the young (MODY). Also called: Maturity onset diabetes mellitus in young. Identifiers: Orphanet 552, MedGen C0342276, MONDO:0018911, HP:0004904.

Submission:

MVZ Dr. Eberhard & Partner Dortmund
Classification: Uncertain significance for Maturity-onset diabetes of the young. Last evaluated: 2023-10-11. Review status: criteria provided, single submitter. Criteria: ACMG Guidelines, 2015. Collection method: clinical testing. Allele origin: unknown. Observed: 1 heterozygote.
Comment: This variant was absent from variant databases (HGMD, ClinVar, LOVD). It has not yet been described in the literature and is not found in control groups of different ethnicities. The nucleotide change affects the last nucleotide in exon 4 and splicing predictions were conspicuous regarding splicing alterations (e.g. SpliceAI: 0,94). Another variant (c.426G>T) for the same amino acid change was described in a patient with antibody negative type 1 diabetes.